The following is an entry in ClinVar:

NM_000308.4(CTSA):c.948+13_954delinsAGA

Gene: CTSA (cathepsin A; plus strand). Cytogenetic location: 20q13.12.
Variant type: Indel.
Coding change: c.948+13_954delinsAGA on transcript NM_000308.4 (MANE Select); 13 bases into the intron after coding-DNA position 948 through coding-DNA position 954, the reference bases replaced by AGA.
Molecular consequence: splice acceptor variant.
Genome position (GRCh38, 1-based): chr20:45,894,914-45,894,999, 86 bases replaced. GRCh37 (hg19): chr20:44,523,553-44,523,638.
Other names: c.948+13_954delinsAGA (NM_001127695.3); c.897+13_903delinsAGA (NM_001167594.3).
Identifiers: ClinVar variation 2709502 (VCV002709502.3), dbSNP rs2515440663, ClinGen allele CA2697547410.

ClinVar aggregate classification (germline): Likely pathogenic (1 of 4 stars; one submission).

Conditions:
Combined deficiency of sialidase AND beta galactosidase (GSL). Also called: Galactosialidosis; CATHEPSIN A DEFICIENCY; GOLDBERG SYNDROME; NEURAMINIDASE DEFICIENCY WITH BETA-GALACTOSIDASE DEFICIENCY; NEURAMINIDASE/BETA-GALACTOSIDASE EXPRESSION; PPCA DEFICIENCY. Identifiers: Orphanet 351, MedGen C0268233, MONDO:0009737, OMIM 256540.

Submission:

Labcorp Genetics (formerly Invitae), Labcorp
Classification: Likely pathogenic for Combined deficiency of sialidase AND beta galactosidase. Last evaluated: 2024-01-15. Review status: criteria provided, single submitter. Criteria: Invitae Variant Classification Sherloc (09022015). Collection method: clinical testing. Allele origin: germline.
Comment: This variant results in the deletion of part of exon 11 (c.1002+13_1008delinsAGA) of the CTSA gene. It is expected to disrupt RNA splicing. Variants that disrupt the donor or acceptor splice site typically lead to a loss of protein function (PMID: 16199547), and loss-of-function variants in CTSA are known to be pathogenic (PMID: 15110321, 23915561). This variant is not present in population databases (gnomAD no frequency). This variant has not been reported in the literature in individuals affected with CTSA-related conditions. In summary, the currently available evidence indicates that the variant is pathogenic, but additional data are needed to prove that conclusively. Therefore, this variant has been classified as Likely Pathogenic.

Literature cited by the submitters: PubMed 16199547; PubMed 15110321; PubMed 23915561.